The following is an entry in ClinVar:

NM_015295.3(SMCHD1):c.4434+9A>G

Gene: SMCHD1 (structural maintenance of chromosomes flexible hinge domain containing 1; plus strand). Cytogenetic location: 18p11.32.
Variant type: single nucleotide variant.
Coding change: c.4434+9A>G on transcript NM_015295.3 (MANE Select); 9 bases into the intron after coding-DNA position 4434, A replaced by G.
Molecular consequence: intron variant.
Genome position (GRCh38, 1-based): chr18:2,760,748, A>G. VCF-style: chr18-2760748-A-G. GRCh37 (hg19) VCF-style: chr18-2760746-A-G.
Other names: c.4434+9A>G (NM_015295.2).
Identifiers: ClinVar variation 2919653 (VCV002919653.4), dbSNP rs750428536, ClinGen allele CA8871474.

ClinVar aggregate classification (germline): Likely benign. Review status: criteria provided, multiple submitters, no conflicts (2 of 4 stars). 2 submissions from 2 submitters: Likely benign (2). Last evaluated 2024-10-23.

Conditions:
SMCHD1-related disorder. Also called: SMCHD1-related condition.
Facioscapulohumeral muscular dystrophy 2 (FSHD2). Also called: FACIOSCAPULOHUMERAL MUSCULAR DYSTROPHY 2, DIGENIC; FSHD2, DIGENIC; MUSCULAR DYSTROPHY, FACIOSCAPULOHUMERAL, TYPE 1B. Identifiers: Orphanet 269, MedGen C1834671, MONDO:0008031, OMIM 158901.

Allele frequency attached by ClinVar (database versions not stated): gnomAD exomes below 0.00001; ExAC 0.00001.
gnomAD v4.1: 3 of 1,551,002 alleles (0.00019%); highest among the groups gnomAD compares: East Asian, 0.0023%; no homozygotes.

Submissions (2):

PreventionGenetics, part of Exact Sciences
Classification: Likely benign for SMCHD1-related condition. Last evaluated: 2024-10-23. Review status: criteria provided, single submitter. Criteria: ACMG Guidelines, 2015. Collection method: clinical testing. Allele origin: germline.
Comment: This variant is classified as likely benign based on ACMG/AMP sequence variant interpretation guidelines (Richards et al. 2015 PMID: 25741868, with internal and published modifications).

Labcorp Genetics (formerly Invitae), Labcorp
Classification: Likely benign for Facioscapulohumeral muscular dystrophy 2. Last evaluated: 2023-02-26. Review status: criteria provided, single submitter. Criteria: Invitae Variant Classification Sherloc (09022015). Collection method: clinical testing. Allele origin: germline.